The following is an entry in ClinVar:

NM_000038.6(APC):c.4286A>T (p.Gln1429Leu)

Gene: APC (APC regulator of Wnt signaling pathway; plus strand). Cytogenetic location: 5q22.2.
Variant type: single nucleotide variant.
Coding change: c.4286A>T on transcript NM_000038.6 (MANE Select); coding-DNA position 4286, A replaced by T.
Protein change: p.Gln1429Leu; replaces glutamine 1429 with leucine.
Molecular consequence: missense variant. On other transcripts: non-coding transcript variant (2).
Genome position (GRCh38, 1-based): chr5:112,839,880, A>T. VCF-style: chr5-112839880-A-T. GRCh37 (hg19) VCF-style: chr5-112175577-A-T.
Other names: c.4286A>T, p.Gln1429Leu (NM_001127510.3, NM_001354895.2, NM_001407450.1); c.4232A>T, p.Gln1411Leu (NM_001127511.3); c.4340A>T, p.Gln1447Leu (NM_001354896.2, NM_001407447.1, NM_001407448.1 and 1 more transcripts); c.4316A>T, p.Gln1439Leu (NM_001354897.2); c.4211A>T, p.Gln1404Leu (NM_001354898.2); c.4202A>T, p.Gln1401Leu (NM_001354899.2); c.4163A>T, p.Gln1388Leu (NM_001354900.2); c.4109A>T, p.Gln1370Leu (NM_001354901.2, NM_001407453.1); and 11 more; short protein forms Q1338L, Q1401L, Q1439L, Q1269L, Q1303L, Q1346L, Q1404L, Q1419L.
Identifiers: ClinVar variation 2586980 (VCV002586980.2), dbSNP rs1554085710, ClinGen allele CA16030723.

ClinVar aggregate classification (germline): Uncertain significance (1 of 4 stars; one submission).

Conditions:
Hereditary cancer-predisposing syndrome. Also called: Hereditary neoplastic syndrome; Tumor predisposition; Hereditary Cancer Syndrome; Neoplastic Syndromes, Hereditary. Identifiers: Orphanet 140162, MedGen C0027672, MeSH D009386, MONDO:0015356.

Submission:

Ambry Genetics
Classification: Uncertain significance for Hereditary cancer-predisposing syndrome. Last evaluated: 2023-06-23. Review status: criteria provided, single submitter. Criteria: Ambry Variant Classification Scheme 2023. Collection method: clinical testing. Allele origin: germline.
Comment: The p.Q1429L variant (also known as c.4286A>T), located in coding exon 15 of the APC gene, results from an A to T substitution at nucleotide position 4286. The glutamine at codon 1429 is replaced by leucine, an amino acid with dissimilar properties. This amino acid position is conserved. In addition, in silico predictors for this gene do not accurately predict pathogenicity. Since supporting evidence is limited at this time, the clinical significance of this alteration remains unclear.